The following is an entry in ClinVar:

NM_018206.6(VPS35):c.648G>A (p.Leu216=)

Gene: VPS35 (VPS35 retromer complex component; minus strand). Cytogenetic location: 16q11.2.
Variant type: single nucleotide variant.
Coding change: c.648G>A on transcript NM_018206.6 (MANE Select); coding-DNA position 648, G replaced by A.
Protein change: p.Leu216=; no amino-acid change (leucine 216 retained).
Molecular consequence: synonymous variant.
Genome position (GRCh38, 1-based): chr16:46,679,015, C>T on the plus strand (G>A on the coding strand, the complement: VPS35 is on the minus strand). VCF-style: chr16-46679015-C-T. GRCh37 (hg19) VCF-style: chr16-46712927-C-T.
Identifiers: ClinVar variation 885652 (VCV000885652.19), dbSNP rs763697798, ClinGen allele CA8037026.

ClinVar aggregate classification (germline): Conflicting classifications of pathogenicity. Review status: criteria provided, conflicting classifications (1 of 4 stars). 3 submissions from 3 submitters: Uncertain significance (1); Likely benign (2). Last evaluated 2026-01-01.

Conditions:
Parkinson disease 17 (PARK17). Also called: VPS35-Related Parkinson Disease. Identifiers: Orphanet 411602, MedGen C3280133, MONDO:0013625, OMIM 614203.

Allele frequency attached by ClinVar (database versions not stated): gnomAD 0.00002; gnomAD exomes 0.00002 and 0.00004; TOPMed 0.00002; ExAC 0.00005.
gnomAD v4.1: 33 of 1,614,052 alleles (0.002%); highest among the groups gnomAD compares: Non-Finnish European, 0.0028%; no homozygotes.

Submissions (3):

CeGaT Center for Human Genetics Tuebingen
Classification: Likely benign. Last evaluated: 2026-01-01. Review status: criteria provided, single submitter. Criteria: CeGaT Center For Human Genetics Tuebingen Variant Classification Criteria Version 2. Collection method: clinical testing. Allele origin: germline. Affected: yes. Observed: 2 variant alleles.
Comment: VPS35: BP4, BP7

Labcorp Genetics (formerly Invitae), Labcorp
Classification: Likely benign for Parkinson disease 17. Last evaluated: 2025-09-07. Review status: criteria provided, single submitter. Criteria: Invitae Variant Classification Sherloc (09022015). Collection method: clinical testing. Allele origin: germline.

Illumina Laboratory Services, Illumina
Classification: Uncertain significance for Parkinson disease 17. Last evaluated: 2018-01-13. Review status: criteria provided, single submitter. Criteria: ICSL Variant Classification Criteria 13 December 2019. Collection method: clinical testing. Allele origin: germline.